The following is an entry in ClinVar:

NM_006372.5(SYNCRIP):c.1121C>A (p.Ala374Glu)

Gene: SYNCRIP (synaptotagmin binding cytoplasmic RNA interacting protein; minus strand). Cytogenetic location: 6q14.3.
Variant type: single nucleotide variant.
Coding change: c.1121C>A on transcript NM_006372.5 (MANE Select); coding-DNA position 1121, C replaced by A.
Protein change: p.Ala374Glu; replaces alanine 374 with glutamic acid.
Molecular consequence: missense variant.
Genome position (GRCh38, 1-based): chr6:85,619,305, G>T on the plus strand (C>A on the coding strand, the complement: SYNCRIP is on the minus strand). VCF-style: chr6-85619305-G-T. GRCh37 (hg19) VCF-style: chr6-86329023-G-T.
Other names: c.827C>A, p.Ala276Glu (NM_001159673.2, NM_001410938.1, NM_001439159.1); c.1016C>A, p.Ala339Glu (NM_001159674.2, NM_001159675.2); c.1121C>A, p.Ala374Glu (NM_001159676.2, NM_001159677.2, NM_001439158.1 and 3 more transcripts); c.665C>A, p.Ala222Glu (NM_001253771.2); short protein forms A222E, A276E, A339E, A374E.
Identifiers: ClinVar variation 4681196 (VCV004681196.1).

ClinVar aggregate classification (germline): Uncertain significance (1 of 4 stars; one submission).

Conditions:
SYNCRIP-related neurodevelopmental disorder. Identifiers: MedGen CN376111, MONDO:0800456.

Submission:

Keimyung University Dongsan Hospital, Keimyung University School of Medicine
Classification: Uncertain significance for SYNCRIP-related neurodevelopmental disorder. Last evaluated: 2025-10-30. Review status: criteria provided, single submitter. Criteria: ACMG Guidelines, 2015. Collection method: provider interpretation. Allele origin: germline. Inheritance: Autosomal dominant inheritance. Affected: yes. Observed: 1 heterozygote.
Comment: This variant was classified as of uncertain significance according to the ACMG/AMP guidelines (2015). The classification is supported by de novo occurrence confirmed by trio whole-exome sequencing and Sanger sequencing (PS2), absence from population databases including gnomAD (PM2), multiple in silico predictions supporting a deleterious effect (PP3), and a phenotype consistent with SYNCRIP-related neurodevelopmental disorder, including developmental delay, epilepsy, and craniofacial dysmorphism (supporting PP4). Although currently classified as a VUS, this variant is considered clinically relevant.

Literature cited by the submitters: DOI 10.26815/acn.2025.01186.